The following is an entry in ClinVar:

NM_003743.5(NCOA1):c.2398A>G (p.Lys800Glu)

Gene: NCOA1 (nuclear receptor coactivator 1; plus strand). Cytogenetic location: 2p23.3.
Variant type: single nucleotide variant.
Coding change: c.2398A>G on transcript NM_003743.5 (MANE Select); coding-DNA position 2398, A replaced by G.
Protein change: p.Lys800Glu; replaces lysine 800 with glutamic acid.
Molecular consequence: missense variant.
Genome position (GRCh38, 1-based): chr2:24,707,868, A>G. VCF-style: chr2-24707868-A-G. GRCh37 (hg19) VCF-style: chr2-24930737-A-G.
Other names: c.2398A>G, p.Lys800Glu (NM_001362950.1, NM_001362952.1, NM_001362954.1 and 3 more transcripts); short protein forms K800E.
Identifiers: ClinVar variation 3354666 (VCV003354666.1).
Genomic context (GRCh38, chr2:24,707,868, plus strand): 5'-CAGATGGATCCATGTAATACAAACCCAACCCCAATGACCAAACCCACTCCTGAGGAAATA[A>G]AACTGGAGGCCCAGAGCCAGGTGGGTAACTGCTTGCTTCACAGAATGGTCATTCTTAGTA-3'
Protein context (NP_003734.3, residues 790-810): PMTKPTPEEI[Lys800Glu]LEAQSQFTAD

ClinVar aggregate classification (germline): Uncertain significance (0 of 4 stars; one submission).

Conditions:
NCOA1-related disorder. Also called: NCOA1-related condition.

gnomAD v4.1: 5 of 1,592,740 alleles (0.00031%); highest among the groups gnomAD compares: Non-Finnish European, 0.00043%; no homozygotes.

Submission:

PreventionGenetics, part of Exact Sciences
Classification: Uncertain significance for NCOA1-related condition. Last evaluated: 2024-03-19. Review status: no assertion criteria provided. Collection method: clinical testing. Allele origin: germline.
Comment: The NCOA1 c.2398A>G variant is predicted to result in the amino acid substitution p.Lys800Glu. To our knowledge, this variant has not been reported in the literature or in a large population database, indicating this variant is rare. At this time, the clinical significance of this variant is uncertain due to the absence of conclusive functional and genetic evidence.